The following is an entry in ClinVar:

ClinVar aggregate classification (germline): Uncertain significance (1 of 4 stars; one submission).

gnomAD v4.1: 10 of 1,614,030 alleles (0.00062%); highest among the groups gnomAD compares: African/African-American, 0.004%; no homozygotes.

Submission:

Ambry Genetics
Classification: Uncertain significance. Last evaluated: 2025-02-09. Review status: criteria provided, single submitter. Criteria: Ambry Variant Classification Scheme 2023. Collection method: clinical testing. Allele origin: germline.
Comment: The p.Q311R variant (also known as c.932A>G), located in coding exon 8 of the RAD51B gene, results from an A to G substitution at nucleotide position 932. The glutamine at codon 311 is replaced by arginine, an amino acid with highly similar properties. This amino acid position is conserved. In addition, this alteration is predicted to be tolerated by in silico analysis. Based on the available evidence, the clinical significance of this variant remains unclear.

NM_133510.4(RAD51B):c.932A>G (p.Gln311Arg)

Gene: RAD51B (RAD51 paralog B; plus strand). Cytogenetic location: 14q24.1.
Variant type: single nucleotide variant.
Coding change: c.932A>G on transcript NM_133510.4 (MANE Select); coding-DNA position 932, A replaced by G.
Protein change: p.Gln311Arg; replaces glutamine 311 with arginine.
Molecular consequence: missense variant.
Genome position (GRCh38, 1-based): chr14:68,411,502, A>G. VCF-style: chr14-68411502-A-G. GRCh37 (hg19) VCF-style: chr14-68878219-A-G.
Other names: c.932A>G, p.Gln311Arg (NM_001321809.2, NM_001321810.2, NM_001321812.1 and 6 more transcripts); c.818A>G, p.Gln273Arg (NM_001321815.1); c.575A>G, p.Gln192Arg (NM_001321817.2); short protein forms Q192R, Q273R, Q311R.
Identifiers: ClinVar variation 3786451 (VCV003786451.1).